The following is an entry in ClinVar:

ClinVar aggregate classification (germline): Pathogenic/Likely pathogenic. Review status: criteria provided, multiple submitters, no conflicts (2 of 4 stars). 3 submissions from 3 submitters: Pathogenic (2); Likely pathogenic (1). Last evaluated 2024-04-25.

Conditions:
Vici syndrome (VICIS). Identifiers: Orphanet 1493, MedGen C1855772, MONDO:0009452, OMIM 242840.

Allele frequency attached by ClinVar (database versions not stated): gnomAD exomes 0.00001; ExAC 0.00002.
gnomAD v4.1: 6 of 1,614,232 alleles (0.00037%); highest among the groups gnomAD compares: Middle Eastern, 0.016%; no homozygotes.

Submissions (3):

Labcorp Genetics (formerly Invitae), Labcorp
Classification: Pathogenic for Vici syndrome. Last evaluated: 2024-04-25. Review status: criteria provided, single submitter. Criteria: Invitae Variant Classification Sherloc (09022015). Collection method: clinical testing. Allele origin: germline.
Comment: This sequence change creates a premature translational stop signal (p.Arg299*) in the EPG5 gene. It is expected to result in an absent or disrupted protein product. Loss-of-function variants in EPG5 are known to be pathogenic (PMID: 23222957, 23674064). This variant is present in population databases (rs767638289, gnomAD 0.006%). This variant has not been reported in the literature in individuals affected with EPG5-related conditions. ClinVar contains an entry for this variant (Variation ID: 626237). For these reasons, this variant has been classified as Pathogenic.

SIB Swiss Institute of Bioinformatics
Classification: Pathogenic for Vici syndrome. Last evaluated: 2019-01-17. Review status: criteria provided, single submitter. Criteria: ACMG Guidelines, 2015. Collection method: curation. Allele origin: unknown.
Comment: This variant is interpreted as a Pathogenic for Vici syndrome, autosomal recessive. The following ACMG Tag(s) were applied: PM2 => Absent from controls (or at extremely low frequency if recessive) in Exome Sequencing Project, 1000 Genomes Project, or Exome Aggregation Consortium. PVS1 => Predicted nullvariant in a gene where LOF is a known mechanism of disease. PS3-Moderate => PS3 downgraded in strength to Moderate (PMID:29130391).

ClinGen:CA8949871

Neuberg Centre For Genomic Medicine, NCGM
Classification: Likely pathogenic for Vici syndrome. Review status: criteria provided, single submitter. Criteria: ACMG Guidelines, 2015. Collection method: clinical testing. Allele origin: germline. Inheritance: Autosomal recessive inheritance. Affected: yes.
Comment: The stop gained variant c.895C>T (p.Arg299Ter) in EPG5 gene has not been reported previously as a pathogenic variant nor as a benign variant, to our knowledge. This variant has been reported to the ClinVar database as Pathogenic. The c.895C>T variant is novel (not in any individuals) in 1000 Genomes and allele frequency of 0.001202% is reported in gnomAD. The nucleotide change c.895C>T in EPG5 is predicted as conserved by GERP++ and PhyloP across 100 vertebrates. This variant is predicted to cause loss of normal protein function. Loss of function variants have been previously reported to be disease causing. For these reasons, this variant has been classified as Likely Pathogenic.

Literature cited by the submitters: PubMed 23222957 (cited by Labcorp Genetics (formerly Invitae), Labcorp); PubMed 23674064 (cited by Labcorp Genetics (formerly Invitae), Labcorp); PubMed 29130391 (cited by SIB Swiss Institute of Bioinformatics).

NM_020964.3(EPG5):c.895C>T (p.Arg299Ter)

Gene: EPG5 (ectopic P-granules 5 autophagy tethering factor; minus strand). Cytogenetic location: 18q21.1.
Variant type: single nucleotide variant.
Coding change: c.895C>T on transcript NM_020964.3 (MANE Select); coding-DNA position 895, C replaced by T.
Protein change: p.Arg299Ter; replaces arginine 299 with a stop codon.
Molecular consequence: nonsense.
Genome position (GRCh38, 1-based): chr18:45,954,507, G>A on the plus strand (C>T on the coding strand, the complement: EPG5 is on the minus strand). VCF-style: chr18-45954507-G-A. GRCh37 (hg19) VCF-style: chr18-43534473-G-A.
Other names: c.895C>T, p.Arg299Ter (LRG_1234t1); short protein forms R299*.
Identifiers: ClinVar variation 626237 (VCV000626237.5), dbSNP rs767638289, ClinGen allele CA8949871.
Genomic context (GRCh38, chr18:45,954,507, plus strand): 5'-GGCAATCAGATGTCAGAGTAAGCAGCTCAGCTTCAGCCAGCAGCAGTTGCTTCCTACATC[G>A]TGAGTAGTTCAAAAGCAACTCATAAAATTCATGCCTGTCTTGATGAGCCATGCTGTCAAA-3'